The following is an entry in ClinVar:

ClinVar aggregate classification (germline): Uncertain significance (1 of 4 stars; one submission).

Allele frequency attached by ClinVar (database versions not stated): TOPMed below 0.00001; ExAC 0.00001.

Submission:

Labcorp Genetics (formerly Invitae), Labcorp
Classification: Uncertain significance. Last evaluated: 2022-05-11. Review status: criteria provided, single submitter. Criteria: Invitae Variant Classification Sherloc (09022015). Collection method: clinical testing. Allele origin: germline.
Comment: In summary, the available evidence is currently insufficient to determine the role of this variant in disease. Therefore, it has been classified as a Variant of Uncertain Significance. Algorithms developed to predict the effect of sequence changes on RNA splicing suggest that this variant may create or strengthen a splice site. Algorithms developed to predict the effect of missense changes on protein structure and function are either unavailable or do not agree on the potential impact of this missense change (SIFT: "Tolerated"; PolyPhen-2: "Possibly Damaging"; Align-GVGD: "Class C0"). This variant has not been reported in the literature in individuals affected with SLC7A14-related conditions. This variant is present in population databases (rs766691826, gnomAD 0.007%). This sequence change replaces lysine, which is basic and polar, with arginine, which is basic and polar, at codon 649 of the SLC7A14 protein (p.Lys649Arg).

NM_020949.3(SLC7A14):c.1946A>G (p.Lys649Arg)

Genes: SLC7A14 (solute carrier family 7 member 14; minus strand), SLC7A14-AS1 (SLC7A14 antisense RNA 1; plus strand). Cytogenetic location: 3q26.2.
Variant type: single nucleotide variant.
Coding change: c.1946A>G on transcript NM_020949.3 (MANE Select); coding-DNA position 1946, A replaced by G.
Protein change: p.Lys649Arg; replaces lysine 649 with arginine.
Molecular consequence: missense variant.
Genome position (GRCh38, 1-based): chr3:170,480,336, T>C on the plus strand (A>G on the coding strand, the complement: SLC7A14 is on the minus strand). VCF-style: chr3-170480336-T-C. GRCh37 (hg19) VCF-style: chr3-170198125-T-C.
Other names: short protein forms K649R.
Identifiers: ClinVar variation 1947481 (VCV001947481.5), dbSNP rs766691826, ClinGen allele CA2701543.